The following is an entry in ClinVar:

NM_018489.3(ASH1L):c.6555G>A (p.Glu2185=)

Gene: ASH1L (ASH1 like histone lysine methyltransferase; minus strand). Cytogenetic location: 1q22.
Variant type: single nucleotide variant.
Coding change: c.6555G>A on transcript NM_018489.3 (MANE Select); coding-DNA position 6555, G replaced by A.
Protein change: p.Glu2185=; no amino-acid change (glutamic acid 2185 retained).
Molecular consequence: synonymous variant.
Genome position (GRCh38, 1-based): chr1:155,370,635, C>T on the plus strand (G>A on the coding strand, the complement: ASH1L is on the minus strand). VCF-style: chr1-155370635-C-T. GRCh37 (hg19) VCF-style: chr1-155340426-C-T.
Other names: c.6570G>A, p.Glu2190= (NM_001366177.2).
Identifiers: ClinVar variation 3025839 (VCV003025839.22), dbSNP rs2525956686, ClinGen allele CA421247554.

ClinVar aggregate classification (germline): Likely benign (1 of 4 stars; one submission).

Allele frequency attached by ClinVar (database versions not stated): gnomAD exomes below 0.00001.
gnomAD v4.1: 3 of 1,614,152 alleles (0.00019%); highest among the groups gnomAD compares: African/African-American, 0.0027%; no homozygotes.

Submission:

CeGaT Center for Human Genetics Tuebingen
Classification: Likely benign. Last evaluated: 2024-01-01. Review status: criteria provided, single submitter. Criteria: CeGaT Center For Human Genetics Tuebingen Variant Classification Criteria Version 2. Collection method: clinical testing. Allele origin: germline. Affected: yes. Observed: 1 variant allele.
Comment: ASH1L: PM2:Supporting, BP4, BP7